The following is an entry in ClinVar:

NM_199420.4(POLQ):c.5018C>T (p.Thr1673Ile)

Gene: POLQ (DNA polymerase theta; minus strand). Cytogenetic location: 3q13.33.
Variant type: single nucleotide variant.
Coding change: c.5018C>T on transcript NM_199420.4 (MANE Select); coding-DNA position 5018, C replaced by T.
Protein change: p.Thr1673Ile; replaces threonine 1673 with isoleucine.
Molecular consequence: missense variant.
Genome position (GRCh38, 1-based): chr3:121,487,913, G>A on the plus strand (C>T on the coding strand, the complement: POLQ is on the minus strand). VCF-style: chr3-121487913-G-A. GRCh37 (hg19) VCF-style: chr3-121206760-G-A.
Other names: short protein forms T1673I.
Identifiers: ClinVar variation 3422512 (VCV003422512.1).

ClinVar aggregate classification (germline): Uncertain significance (1 of 4 stars; one submission).

gnomAD v4.1: 2 of 1,604,996 alleles (0.00012%); highest among the groups gnomAD compares: Non-Finnish European, 0.00017%; no homozygotes.

Submission:

Ambry Genetics
Classification: Uncertain significance. Last evaluated: 2024-08-24. Review status: criteria provided, single submitter. Criteria: Ambry Variant Classification Scheme 2023. Collection method: clinical testing. Allele origin: germline.
Comment: The p.T1673I variant (also known as c.5018C>T), located in coding exon 16 of the POLQ gene, results from a C to T substitution at nucleotide position 5018. The threonine at codon 1673 is replaced by isoleucine, an amino acid with similar properties. This amino acid position is conserved. In addition, this alteration is predicted to be tolerated by in silico analysis. Based on the available evidence, the clinical significance of this variant remains unclear.